The following is an entry in ClinVar:

ClinVar aggregate classification (germline): Uncertain significance (1 of 4 stars; one submission).

Conditions:
Hereditary nonpolyposis colorectal neoplasms. Identifiers: MedGen C0009405, MeSH D003123.

Submission:

Labcorp Genetics (formerly Invitae), Labcorp
Classification: Uncertain significance for Hereditary nonpolyposis colorectal neoplasms. Last evaluated: 2019-02-14. Review status: criteria provided, single submitter. Criteria: Invitae Variant Classification Sherloc (09022015). Collection method: clinical testing. Allele origin: germline.
Comment: In summary, the available evidence is currently insufficient to determine the role of this variant in disease. Therefore, it has been classified as a Variant of Uncertain Significance. Algorithms developed to predict the effect of missense changes on protein structure and function (SIFT, PolyPhen-2, Align-GVGD) all suggest that this variant is likely to be tolerated, but these predictions have not been confirmed by published functional studies and their clinical significance is uncertain. This variant has not been reported in the literature in individuals with MSH6-related conditions. This variant is not present in population databases (ExAC no frequency). This sequence change replaces serine with isoleucine at codon 353 of the MSH6 protein (p.Ser353Ile). The serine residue is weakly conserved and there is a large physicochemical difference between serine and isoleucine.

NM_000179.3(MSH6):c.1058G>T (p.Ser353Ile)

Gene: MSH6 (mutS homolog 6; plus strand). Cytogenetic location: 2p16.3.
Variant type: single nucleotide variant.
Coding change: c.1058G>T on transcript NM_000179.3 (MANE Select); coding-DNA position 1058, G replaced by T.
Protein change: p.Ser353Ile; replaces serine 353 with isoleucine.
Molecular consequence: missense variant.
Genome position (GRCh38, 1-based): chr2:47,799,041, G>T. VCF-style: chr2-47799041-G-T. GRCh37 (hg19) VCF-style: chr2-48026180-G-T.
Other names: c.668G>T, p.Ser223Ile (NM_001281492.2); c.152G>T, p.Ser51Ile (NM_001281493.2, NM_001281494.2); short protein forms S223I, S353I, S51I.
Identifiers: ClinVar variation 837669 (VCV000837669.10), dbSNP rs1465861885, ClinGen allele CA346741594.